The following is an entry in ClinVar:

ClinVar aggregate classification (germline): Uncertain significance. Review status: criteria provided, multiple submitters, no conflicts (2 of 4 stars). 2 submissions from 2 submitters: Uncertain significance (2). Last evaluated 2026-01-06.

Conditions:
Inborn genetic diseases. Identifiers: MedGen C0950123, MeSH D030342.

Allele frequency attached by ClinVar (database versions not stated): TOPMed 0.00001; gnomAD 0.00002.
gnomAD v4.1: 16 of 1,548,120 alleles (0.001%); highest among the groups gnomAD compares: Middle Eastern, 0.017%; no homozygotes.

Submissions (2):

Women's Health and Genetics/Laboratory Corporation of America, LabCorp
Classification: Uncertain significance. Last evaluated: 2026-01-06. Review status: criteria provided, single submitter. Criteria: LabCorp Variant Classification Summary - May 2015. Collection method: clinical testing. Allele origin: germline.
Comment: Variant summary: SIGMAR1 c.81G>T (p.Trp27Cys) results in a non-conservative amino acid change in the encoded protein sequence. Algorithms developed to predict the effect of missense changes on protein structure and function are either unavailable or do not agree on the potential impact of this missense change. The variant allele was found at a frequency of 6.8e-06 in 146096 control chromosomes (gnomAD). The available data on variant occurrences in the general population are insufficient to allow any conclusion about variant significance. To our knowledge, no occurrence of c.81G>T in individuals affected with SIGMAR1-related conditions and no experimental evidence demonstrating its impact on protein function have been reported. ClinVar contains an entry for this variant (Variation ID: 1762428). Based on the evidence outlined above, the variant was classified as uncertain significance.

Ambry Genetics
Classification: Uncertain significance for Inborn genetic diseases. Last evaluated: 2025-09-10. Review status: criteria provided, single submitter. Criteria: Ambry Variant Classification Scheme 2023. Collection method: clinical testing. Allele origin: germline.

NM_005866.4(SIGMAR1):c.81G>T (p.Trp27Cys)

Genes: SIGMAR1 (sigma non-opioid intracellular receptor 1; minus strand), LOC130001681 (ATAC-STARR-seq lymphoblastoid silent region 19853; plus strand). Cytogenetic location: 9p13.3.
Variant type: single nucleotide variant.
Coding change: c.81G>T on transcript NM_005866.4 (MANE Select); coding-DNA position 81, G replaced by T.
Protein change: p.Trp27Cys; replaces tryptophan 27 with cysteine.
Molecular consequence: missense variant. On other transcripts: 5 prime UTR variant (1), non-coding transcript variant (1).
Genome position (GRCh38, 1-based): chr9:34,637,617, C>A on the plus strand (G>T on the coding strand, the complement: SIGMAR1 is on the minus strand). VCF-style: chr9-34637617-C-A. GRCh37 (hg19) VCF-style: chr9-34637614-C-A.
Other names: c.81G>T, p.Trp27Cys (NM_001282205.2, NM_001282207.2, NM_001282208.2 and 2 more transcripts); c.-173G>T (NM_001282206.2); short protein forms W27C.
Identifiers: ClinVar variation 1762428 (VCV001762428.4), dbSNP rs1199979713, ClinGen allele CA373275629.